The following is an entry in ClinVar:

ClinVar aggregate classification (germline): Conflicting classifications of pathogenicity. Review status: criteria provided, conflicting classifications (1 of 4 stars). 9 submissions from 8 submitters: Uncertain significance (5); Likely benign (2). 2 of the submissions do not count toward it. Last evaluated 2026-01-26.

Conditions:
Malignant tumor of breast. Also called: Malignant breast neoplasm; Cancer breast. Identifiers: MedGen C0006142, MONDO:0007254. Disease mechanism: loss of function.
POLD1-related polyposis and colorectal cancer syndrome (CRCS10). Also called: Colorectal cancer, susceptibility to, 10; Colorectal cancer 10; COLORECTAL CANCER, SUSCEPTIBILITY TO, ON CHROMOSOME 19q. Identifiers: Orphanet 220460, MedGen C2675481, MONDO:0012953, OMIM 612591.
Polymerase proofreading-related adenomatous polyposis. Also called: Polymerase proofreading associated polyposis; Polymerase proofreading–associated polyposis (PPAP). Identifiers: Orphanet 447877, MedGen C5202613, MONDO:0018653.
POLD1-related disorder. Also called: POLD1-related disorders; POLD1-related condition.
Immunodeficiency 120. Identifiers: MedGen C5935622, MONDO:0970994, OMIM 620836.
Mandibular hypoplasia-deafness-progeroid syndrome. Also called: Mandibular hypoplasia, deafness, progeroid features, and lipodystrophy syndrome. Identifiers: Orphanet 363649, MedGen C3715192, MONDO:0014157, OMIM 615381.
Hereditary cancer-predisposing syndrome. Also called: Neoplastic Syndromes, Hereditary; Hereditary neoplastic syndrome; Hereditary Cancer Syndrome; Tumor predisposition. Identifiers: Orphanet 140162, MedGen C0027672, MeSH D009386, MONDO:0015356.

Submissions (9):

Labcorp Genetics (formerly Invitae), Labcorp
Classification: Likely benign for POLD1-related polyposis and colorectal cancer syndrome. Last evaluated: 2026-01-26. Review status: criteria provided, single submitter. Criteria: Invitae Variant Classification Sherloc (09022015). Collection method: clinical testing. Allele origin: germline.

Ambry Genetics
Classification: Uncertain significance for Hereditary cancer-predisposing syndrome. Last evaluated: 2025-09-03. Review status: criteria provided, single submitter. Criteria: Ambry Variant Classification Scheme 2023. Collection method: clinical testing. Allele origin: germline.
Comment: The c.1243-5_1243-3delCTC intronic variant, results from a deletion of 3 nucleotides within intron 9 of the POLD1 gene. This region is not well conserved in available vertebrate species. Using the BDGP and ESEfinder splice site prediction tools, this alteration is not predicted to have any significant effect on this splice acceptor site; however, direct evidence is unavailable. Since supporting evidence is limited at this time, the clinical significance of this alteration remains unclear.

Quest Diagnostics Nichols Institute San Juan Capistrano
Classification: Uncertain significance. Last evaluated: 2024-07-01. Review status: criteria provided, single submitter. Criteria: Quest Diagnostics criteria. Collection method: clinical testing. Allele origin: unknown.
Comment: The POLD1 c.1243-5_1243-3del variant has not been reported in individuals with POLD1-related conditions in the published literature. It also has not been reported in large, multi-ethnic general populations (Genome Aggregation Database). Analysis of this variant using software algorithms for the prediction of the effect of nucleotide changes on splicing yielded predictions that this variant does not affect POLD1 mRNA splicing. Based on the available information, we are unable to determine the clinical significance of this variant.

Fulgent Genetics
Classification: Uncertain significance for POLD1-related polyposis and colorectal cancer syndrome; Mandibular hypoplasia-deafness-progeroid syndrome; Immunodeficiency 120. Last evaluated: 2024-04-25. Review status: criteria provided, single submitter. Criteria: ACMG Guidelines, 2015. Collection method: clinical testing. Allele origin: germline.

Blueprint Genetics
Classification: Likely benign. Last evaluated: 2024-03-01. Review status: criteria provided, single submitter. Criteria: ACMG Guidelines, 2015. Collection method: clinical testing. Allele origin: germline.

GeneDx
Classification: Uncertain significance. Last evaluated: 2023-11-22. Review status: criteria provided, single submitter. Criteria: GeneDx Variant Classification Process June 2021. Collection method: clinical testing. Allele origin: germline. Affected: yes.
Comment: Not observed at significant frequency in large population cohorts (gnomAD); Has not been previously published as pathogenic or benign to our knowledge; In silico analysis is inconclusive as to whether the variant alters gene splicing. In the absence of RNA/functional studies, the actual effect of this sequence change is unknown.

Department of Pathology and Laboratory Medicine, Sinai Health System
Classification: Uncertain significance for Polymerase proofreading-related adenomatous polyposis. Last evaluated: 2019-04-01. Review status: criteria provided, single submitter. Criteria: ACMG Guidelines, 2015. Collection method: research. Allele origin: germline.

PreventionGenetics, part of Exact Sciences
Classification: Likely benign for POLD1-related condition. Last evaluated: 2020-03-02. Review status: no assertion criteria provided. Collection method: clinical testing. Allele origin: germline. Not counted in ClinVar's aggregate classification.
Comment: This variant is classified as likely benign based on ACMG/AMP sequence variant interpretation guidelines (Richards et al. 2015 PMID: 25741868, with internal and published modifications).

Department of Pathology and Laboratory Medicine, Sinai Health System
Classification: Uncertain significance for Malignant tumor of breast. Review status: no assertion criteria provided. Collection method: clinical testing. Allele origin: unknown. Affected: yes. Observed: 1 variant allele. Study: The Canadian Open Genetics Repository (COGR). Not counted in ClinVar's aggregate classification.
Comment: The POLD1 c.1243-5_1243-3delCTC variant was not identified in the literature nor was it identified in the Cosmic or MutDB databases. The variant was identified in dbSNP (ID: rs760329559) as â€šÃ„ÃºNAâ€šÃ„Ã¹, and ClinVar (as uncertain significance by Invitae and GeneDx). The variant was identified in control databases in 5 of 244622 chromosomes at a frequency of 0.00002 (Genome Aggregation Database Feb 27, 2017). The variant was observed in the following populations: East Asian in 1 of 17230 chromosomes (freq: 0.00006), European (Non-Finnish) in 4 of 110742 chromosomes (freq: 0.00004), while the variant was not observed in the African, Ashkenazi Jewish, Finnish, Latino, Other, and South Asian populations. The c.1243-5_1243-3delCTC variant is located in the 3' splice region but does not affect the invariant -1 and -2 positions. However, positions -3 and -5 to -12 are part of the splicing consensus sequence and variants involving these positions sometimes affect splicing. In summary, based on the above information the clinical significance of this variant cannot be determined with certainty at this time. This variant is classified as a variant of uncertain significance.

NM_002691.4(POLD1):c.1243-11CTC[2]

Gene: POLD1 (DNA polymerase delta 1, catalytic subunit; plus strand). Cytogenetic location: 19q13.33.
Variant type: Microsatellite.
Coding change: c.1243-11CTC[2] on transcript NM_002691.4 (MANE Select); two copies in a row of the 3-base unit CTC starting at c.1243-11; the reference has three copies in a row; one copy, 3 bases deleted.
Molecular consequence: intron variant.
Genome position (GRCh38, 1-based): chr19:50,406,177-50,406,179, CTC deleted; deleting any 3 consecutive bases within chr19:50,406,171-50,406,179 gives the same sequence; the position shown is the placement nearest the transcript's 3' end. VCF-style (leftmost placement, unchanged base first): chr19-50406170-TCTC-T. GRCh37 (hg19) VCF-style: chr19-50909427-TCTC-T.
Other names: c.1243-5_1243-3delCTC (NM_002691.3, NM_002691.2); c.1243-11CTC[2] (NM_001256849.1, NM_001308632.1); c.1243-5_1243-3del (NM_002691.4).
Identifiers: ClinVar variation 408055 (VCV000408055.25), dbSNP rs760329559, ClinGen allele CA9596091.